The following is an entry in ClinVar:

NM_003924.4(PHOX2B):c.753_791dup (p.Ala266_Gly267insAlaAlaAlaAlaAlaAlaAlaGlyGlyLeuAlaAlaAla)

Gene: PHOX2B (paired like homeobox 2B; minus strand). Cytogenetic location: 4p13.
Variant type: Duplication.
Coding change: c.753_791dup on transcript NM_003924.4 (MANE Select); coding-DNA positions 753 to 791, 39 bases duplicated.
Protein change: p.Ala266_Gly267insAlaAlaAlaAlaAlaAlaAlaGlyGlyLeuAlaAlaAla.
Genome position (GRCh38, 1-based): chr4:41,745,961-41,745,999, 39 bases duplicated; duplicating any 39 consecutive bases within chr4:41,745,961-41,746,002 gives the same sequence; the c. name uses the placement nearest the transcript's 3' end. GRCh37 (hg19): chr4:41,747,981-41,748,019.
Identifiers: ClinVar variation 4279623 (VCV004279623.1).

ClinVar aggregate classification (germline): Likely pathogenic (1 of 4 stars; one submission).

Conditions:
Central hypoventilation syndrome, congenital, 1, with or without Hirschsprung disease (CCHS1). Also called: CENTRAL HYPOVENTILATION SYNDROME, CONGENITAL, 1; AUTONOMIC CONTROL, CONGENITAL FAILURE OF; ONDINE CURSE, CONGENITAL; Central hypoventilation syndrome, congenital, 1, with or without Hirschsprung; Congenital Central Hypoventilation Syndrome (CCHS). Identifiers: Orphanet 661, MedGen C5562075, MONDO:0800026, OMIM 209880.

Submission:

Diagnostics Services (NGS), CSIR - Centre For Cellular And Molecular Biology
Classification: Likely pathogenic for Central hypoventilation syndrome, congenital, 1, with or without Hirschsprung disease. Last evaluated: 2025-08-22. Review status: criteria provided, single submitter. Criteria: ACMG Guidelines, 2015. Collection method: clinical testing. Allele origin: germline. Affected: yes. Observed: 1 variant allele, 1 heterozygote.
Comment: The c.753_791dup variant is not present in publicly available population databases like 1000 Genomes, EVS, gnomAD, Indian Exome Database or our internal database. This variant has neither been published in literature in individuals affected with PHOX2B-related conditions nor reported to clinical databases like Human Genome Mutation Database (HGMD), ClinVar or OMIM in any affected individuals. In-silico pathogenicity prediction programs like MutationTaster2021, CADD, Varsome etc predicted this variant to be likely deleterious; however, these predictions were not confirmed by any published functional studies. This variant is present in a mutational hotspot region of the gene which causes in-frame deletion of 13 amino acids that changes the protein length. The duplication region (chr1:41747977-41748016) overlaps with the most prevalent in-frame duplication variant (chr4:41747989-41748062) observed in this gene, leading to an expansion of an Alanine tract (ClinVar Accession ID: VCV000006008.5, OMIM ID: 603851.0001).